The following is an entry in ClinVar:

ClinVar aggregate classification (germline): Uncertain significance (1 of 4 stars; one submission).

Submission:

Ambry Genetics
Classification: Uncertain significance. Last evaluated: 2026-09-08. Review status: criteria provided, single submitter. Criteria: Ambry Variant Classification Scheme 2023. Collection method: clinical testing. Allele origin: germline.
Comment: The p.S635R variant (also known as c.1903A>C), located in coding exon 8 of the RNF43 gene, results from an A to C substitution at nucleotide position 1903. The serine at codon 635 is replaced by arginine, an amino acid with dissimilar properties. This amino acid position is conserved. In addition, this alteration is predicted to be tolerated by in silico analysis. Based on the available evidence, the clinical significance of this variant remains unclear.

NM_017763.6(RNF43):c.1903A>C (p.Ser635Arg)

Gene: RNF43 (ring finger protein 43; minus strand). Cytogenetic location: 17q22.
Variant type: single nucleotide variant.
Coding change: c.1903A>C on transcript NM_017763.6 (MANE Select); coding-DNA position 1903, A replaced by C.
Protein change: p.Ser635Arg; replaces serine 635 with arginine.
Molecular consequence: missense variant.
Genome position (GRCh38, 1-based): chr17:58,357,873, T>G on the plus strand (A>C on the coding strand, the complement: RNF43 is on the minus strand). VCF-style: chr17-58357873-T-G. GRCh37 (hg19) VCF-style: chr17-56435234-T-G.
Other names: c.1903A>C, p.Ser635Arg (NM_001305544.3, NM_001438820.1, NM_001438821.1 and 1 more transcripts); c.1522A>C, p.Ser508Arg (NM_001305545.2, NM_001437987.1); short protein forms S508R, S635R.
Identifiers: ClinVar variation 5028371 (VCV005028371.1).